The following is an entry in ClinVar:

ClinVar aggregate classification (germline): Conflicting classifications of pathogenicity. Review status: criteria provided, conflicting classifications (1 of 4 stars). 2 submissions from 2 submitters: Uncertain significance (1); Likely benign (1). Last evaluated 2025-10-01.

Allele frequency attached by ClinVar (database versions not stated): gnomAD 0.00001; gnomAD exomes 0.00002; ExAC 0.00006.
gnomAD v4.1: 27 of 1,611,882 alleles (0.0017%); highest among the groups gnomAD compares: South Asian, 0.025%; no homozygotes.

Submissions (2):

CeGaT Center for Human Genetics Tuebingen
Classification: Uncertain significance. Last evaluated: 2025-10-01. Review status: criteria provided, single submitter. Criteria: CeGaT Center For Human Genetics Tuebingen Variant Classification Criteria Version 2. Collection method: clinical testing. Allele origin: germline. Affected: yes. Observed: 1 variant allele.
Comment: COL4A4: PM2

Labcorp Genetics (formerly Invitae), Labcorp
Classification: Likely benign. Last evaluated: 2024-02-02. Review status: criteria provided, single submitter. Criteria: Invitae Variant Classification Sherloc (09022015). Collection method: clinical testing. Allele origin: germline.

NM_000092.5(COL4A4):c.683C>A (p.Pro228Gln)

Gene: COL4A4 (collagen type IV alpha 4 chain; minus strand). Cytogenetic location: 2q36.3.
Variant type: single nucleotide variant.
Coding change: c.683C>A on transcript NM_000092.5 (MANE Select); coding-DNA position 683, C replaced by A.
Protein change: p.Pro228Gln; replaces proline 228 with glutamine.
Molecular consequence: missense variant.
Genome position (GRCh38, 1-based): chr2:227,108,843, G>T on the plus strand (C>A on the coding strand, the complement: COL4A4 is on the minus strand). VCF-style: chr2-227108843-G-T. GRCh37 (hg19) VCF-style: chr2-227973559-G-T.
Other names: short protein forms P228Q.
Identifiers: ClinVar variation 2179256 (VCV002179256.10), dbSNP rs749481247, ClinGen allele CA2145497.